The following is an entry in ClinVar:

ClinVar aggregate classification (germline): Likely benign (1 of 4 stars; one submission).

gnomAD v4.1: 1 of 1,595,426 alleles (0.000063%); highest among the groups gnomAD compares: Non-Finnish European, 0.000086%; no homozygotes.

Submission:

CeGaT Center for Human Genetics Tuebingen
Classification: Likely benign. Last evaluated: 2024-10-01. Review status: criteria provided, single submitter. Criteria: CeGaT Center For Human Genetics Tuebingen Variant Classification Criteria Version 2. Collection method: clinical testing. Allele origin: germline. Affected: yes. Observed: 1 variant allele.
Comment: SCN8A: BP4, BP7

NM_001330260.2(SCN8A):c.300G>A (p.Gly100=)

Gene: SCN8A (sodium voltage-gated channel alpha subunit 8; plus strand). Cytogenetic location: 12q13.13.
Variant type: single nucleotide variant.
Coding change: c.300G>A on transcript NM_001330260.2 (MANE Select); coding-DNA position 300, G replaced by A.
Protein change: p.Gly100=; no amino-acid change (glycine 100 retained).
Molecular consequence: synonymous variant.
Genome position (GRCh38, 1-based): chr12:51,684,197, G>A. VCF-style: chr12-51684197-G-A. GRCh37 (hg19) VCF-style: chr12-52077981-G-A.
Other names: c.300G>A, p.Gly100= (NM_001177984.3, NM_001369788.1, NM_014191.4).
Identifiers: ClinVar variation 3390030 (VCV003390030.14).
Genomic context (GRCh38, chr12:51,684,197, plus strand): 5'-ATGCTTTAATAATTTCTCTCTCTTTCTTTCTCCACAGACCTTTGTAGTATTAAACAGAGG[G>A]AAAACTCTCTTCAGATTTAGTGCCACGCCTGCCTTGTACATTTTAAGTCCTTTTAACCTG-3'
Protein context (NP_001317189.1, residues 90-110): TQKTFVVLNR[Gly100=]KTLFRFSATP